The following is an entry in ClinVar:

ClinVar aggregate classification (germline): Pathogenic. Review status: criteria provided, multiple submitters, no conflicts (2 of 4 stars). 2 submissions from 2 submitters: Pathogenic (2). Last evaluated 2025-11-27.

Conditions:
Metachromatic leukodystrophy (MLD). Also called: ARSA DEFICIENCY; CEREBROSIDE SULFATASE DEFICIENCY; Arylsulfatase A Deficiency; SULFATIDE LIPIDOSIS; Cerebral sclerosis diffuse metachromatic form; METACHROMATIC LEUKOENCEPHALOPATHY. Identifiers: Orphanet 512, MedGen C0023522, MONDO:0018868, OMIM 250100.

Submissions (2):

Labcorp Genetics (formerly Invitae), Labcorp
Classification: Pathogenic for Metachromatic leukodystrophy. Last evaluated: 2025-11-27. Review status: criteria provided, single submitter. Criteria: Invitae Variant Classification Sherloc (09022015). Collection method: clinical testing. Allele origin: germline.
Comment: This sequence change creates a premature translational stop signal (p.Ala12Profs*16) in the ARSA gene. It is expected to result in an absent or disrupted protein product. Loss-of-function variants in ARSA are known to be pathogenic (PMID: 8962139, 10477432). This variant is present in population databases (rs398123415, gnomAD 0.004%). This premature translational stop signal has been observed in individual(s) with metachromatic leukodystrophy (PMID: 24001781). This variant is also known as A10fs. ClinVar contains an entry for this variant (Variation ID: 93122). For these reasons, this variant has been classified as Pathogenic.

Eurofins Ntd Llc (ga)
Classification: Pathogenic. Last evaluated: 2013-05-29. Review status: criteria provided, single submitter. Criteria: EGL Classification Definitions 2015. Collection method: clinical testing. Allele origin: germline. Observed: 1 variant allele, 1 heterozygote.

Literature cited by the submitters: PubMed 8962139 (cited by Labcorp Genetics (formerly Invitae), Labcorp); PubMed 10477432 (cited by Labcorp Genetics (formerly Invitae), Labcorp); PubMed 24001781 (cited by Labcorp Genetics (formerly Invitae), Labcorp).

NM_000487.6(ARSA):c.34del (p.Ala12fs)

Gene: ARSA (arylsulfatase A; minus strand). Cytogenetic location: 22q13.33.
Variant type: Deletion.
Coding change: c.34del on transcript NM_000487.6 (MANE Select); coding-DNA position 34, one base deleted (G; older notation c.34delG).
Protein change: p.Ala12fs; shifts the reading frame from alanine 12.
Molecular consequence: frameshift variant. On other transcripts: intron variant (2).
Genome position (GRCh38, 1-based): chr22:50,627,746, C deleted on the plus strand (G on the coding strand, the reverse complement: ARSA is on the minus strand); the first of 2 consecutive C bases (chr22:50,627,746-50,627,747); deleting either gives the same sequence. VCF-style (leftmost placement, unchanged base first): chr22-50627745-GC-G. GRCh37 (hg19) VCF-style: chr22-51066173-GC-G.
Other names: c.34del, p.Ala12fs (NM_001085425.3, NM_001085426.3, NM_001085427.3); c.-35+245del (NM_001362782.2); c.-35+200del (NM_001085428.3); short protein forms A12fs.
Identifiers: ClinVar variation 93122 (VCV000093122.10), dbSNP rs398123415, ClinGen allele CA278423.